The following is an entry in ClinVar:

ClinVar aggregate classification (germline): Uncertain significance (1 of 4 stars; one submission).

Conditions:
Alstrom syndrome (ALMS). Identifiers: Orphanet 64, MedGen C0268425, MONDO:0008763, OMIM 203800.

Allele frequency attached by ClinVar (database versions not stated): gnomAD exomes 0.00005; ExAC 0.00014.
gnomAD v4.1: 66 of 1,614,112 alleles (0.0041%); highest among the groups gnomAD compares: South Asian, 0.071%; 1 homozygote.

Submission:

Labcorp Genetics (formerly Invitae), Labcorp
Classification: Uncertain significance for Alstrom syndrome. Last evaluated: 2022-05-21. Review status: criteria provided, single submitter. Criteria: Invitae Variant Classification Sherloc (09022015). Collection method: clinical testing. Allele origin: germline.
Comment: This sequence change replaces asparagine, which is neutral and polar, with serine, which is neutral and polar, at codon 3604 of the ALMS1 protein (p.Asn3604Ser). This variant is present in population databases (rs762614943, gnomAD 0.08%), including at least one homozygous and/or hemizygous individual. This variant has not been reported in the literature in individuals affected with ALMS1-related conditions. In summary, the available evidence is currently insufficient to determine the role of this variant in disease. Therefore, it has been classified as a Variant of Uncertain Significance.

NM_001378454.1(ALMS1):c.10808A>G (p.Asn3603Ser)

Gene: ALMS1 (ALMS1 centrosome and basal body associated protein; plus strand). Cytogenetic location: 2p13.1.
Variant type: single nucleotide variant.
Coding change: c.10808A>G on transcript NM_001378454.1 (MANE Select); coding-DNA position 10808, A replaced by G.
Protein change: p.Asn3603Ser; replaces asparagine 3603 with serine.
Molecular consequence: missense variant.
Genome position (GRCh38, 1-based): chr2:73,572,685, A>G. VCF-style: chr2-73572685-A-G. GRCh37 (hg19) VCF-style: chr2-73799812-A-G.
Other names: c.10811A>G, p.Asn3604Ser (NM_015120.4); short protein forms N3604S, N3603S.
Identifiers: ClinVar variation 2143894 (VCV002143894.1), dbSNP rs762614943, ClinGen allele CA1715062.